The following is an entry in ClinVar:

ClinVar aggregate classification (germline): Uncertain significance. Review status: criteria provided, single submitter (1 of 4 stars). 2 submissions from 2 submitters: Uncertain significance (1). 1 of the submissions does not count toward it. Last evaluated 2022-10-17.

Conditions:
Retinal dystrophy. Also called: Inherited retinal dystrophy. Identifiers: Orphanet 71862, MedGen C0854723, MeSH D058499, MONDO:0019118, HP:0000556.

Allele frequency attached by ClinVar (database versions not stated): gnomAD 0.00002 and 0.00004; gnomAD exomes 0.00003 and 0.00004; TOPMed 0.00004; ExAC 0.00006; ESP Exome Variant Server 0.00008; 1000 Genomes Project 30x 0.00031; 1000 Genomes Project 0.00040.
gnomAD v4.1: 56 of 1,613,996 alleles (0.0035%); highest among the groups gnomAD compares: East Asian, 0.029%; no homozygotes.

Submissions (2):

Labcorp Genetics (formerly Invitae), Labcorp
Classification: Uncertain significance. Last evaluated: 2022-10-17. Review status: criteria provided, single submitter. Criteria: Invitae Variant Classification Sherloc (09022015). Collection method: clinical testing. Allele origin: germline.
Comment: This sequence change replaces arginine, which is basic and polar, with tryptophan, which is neutral and slightly polar, at codon 1697 of the CEP250 protein (p.Arg1697Trp). This variant is present in population databases (rs200384192, gnomAD 0.02%). This variant has not been reported in the literature in individuals affected with CEP250-related conditions. ClinVar contains an entry for this variant (Variation ID: 1021023). Algorithms developed to predict the effect of missense changes on protein structure and function are either unavailable or do not agree on the potential impact of this missense change (SIFT: "Not Available"; PolyPhen-2: "Probably Damaging"; Align-GVGD: "Not Available"). In summary, the available evidence is currently insufficient to determine the role of this variant in disease. Therefore, it has been classified as a Variant of Uncertain Significance.

Institute of Human Genetics, Univ. Regensburg, Univ. Regensburg
Classification: Uncertain significance for Retinal dystrophy. Last evaluated: 2022-01-01. Review status: no assertion criteria provided. Criteria: ACMG Guidelines, 2015. Collection method: clinical testing. Allele origin: germline. Affected: yes. Not counted in ClinVar's aggregate classification.

NM_007186.6(CEP250):c.5089C>T (p.Arg1697Trp)

Gene: CEP250 (centrosomal protein 250; plus strand). Cytogenetic location: 20q11.22.
Variant type: single nucleotide variant.
Coding change: c.5089C>T on transcript NM_007186.6 (MANE Select); coding-DNA position 5089, C replaced by T.
Protein change: p.Arg1697Trp; replaces arginine 1697 with tryptophan.
Molecular consequence: missense variant.
Genome position (GRCh38, 1-based): chr20:35,503,458, C>T. VCF-style: chr20-35503458-C-T. GRCh37 (hg19) VCF-style: chr20-34091286-C-T.
Other names: c.3193C>T, p.Arg1065Trp (NM_001318219.1); short protein forms R1065W, R1697W.
Identifiers: ClinVar variation 1021023 (VCV001021023.7), dbSNP rs200384192, ClinGen allele CA9833817.